The following is an entry in ClinVar:

ClinVar aggregate classification (germline): Uncertain significance (1 of 4 stars; one submission).

Conditions:
Immunodeficiency 51 (IMD51). Also called: CANDIDIASIS, FAMILIAL, 5. Identifiers: Orphanet 1334, MedGen C4310803, MONDO:0013500, OMIM 613953.

gnomAD v4.1: 1 of 1,614,100 alleles (0.000062%); highest among the groups gnomAD compares: Non-Finnish European, 0.000085%; no homozygotes.

Submission:

Labcorp Genetics (formerly Invitae), Labcorp
Classification: Uncertain significance for Immunodeficiency 51. Last evaluated: 2024-07-04. Review status: criteria provided, single submitter. Criteria: Invitae Variant Classification Sherloc (09022015). Collection method: clinical testing. Allele origin: germline.
Comment: This sequence change replaces isoleucine, which is neutral and non-polar, with valine, which is neutral and non-polar, at codon 96 of the IL17RA protein (p.Ile96Val). This variant is not present in population databases (gnomAD no frequency). This variant has not been reported in the literature in individuals affected with IL17RA-related conditions. Advanced modeling of protein sequence and biophysical properties (such as structural, functional, and spatial information, amino acid conservation, physicochemical variation, residue mobility, and thermodynamic stability) performed at Invitae indicates that this missense variant is not expected to disrupt IL17RA protein function with a negative predictive value of 80%. In summary, the available evidence is currently insufficient to determine the role of this variant in disease. Therefore, it has been classified as a Variant of Uncertain Significance.

NM_014339.7(IL17RA):c.286A>G (p.Ile96Val)

Gene: IL17RA (interleukin 17 receptor A; plus strand). Cytogenetic location: 22q11.1.
Variant type: single nucleotide variant.
Coding change: c.286A>G on transcript NM_014339.7 (MANE Select); coding-DNA position 286, A replaced by G.
Protein change: p.Ile96Val; replaces isoleucine 96 with valine.
Molecular consequence: missense variant.
Genome position (GRCh38, 1-based): chr22:17,097,919, A>G. VCF-style: chr22-17097919-A-G. GRCh37 (hg19) VCF-style: chr22-17578809-A-G.
Other names: c.286A>G, p.Ile96Val (NM_001289905.2); short protein forms I96V.
Identifiers: ClinVar variation 3692718 (VCV003692718.2).